The following is an entry in ClinVar:

NM_152743.4(BRAT1):c.1180A>G (p.Thr394Ala)

Gene: BRAT1 (BRCA1 associated ATM activator 1; minus strand). Cytogenetic location: 7p22.3.
Variant type: single nucleotide variant.
Coding change: c.1180A>G on transcript NM_152743.4 (MANE Select); coding-DNA position 1180, A replaced by G.
Protein change: p.Thr394Ala; replaces threonine 394 with alanine.
Molecular consequence: missense variant. On other transcripts: non-coding transcript variant (1).
Genome position (GRCh38, 1-based): chr7:2,541,439, T>C on the plus strand (A>G on the coding strand, the complement: BRAT1 is on the minus strand). VCF-style: chr7-2541439-T-C. GRCh37 (hg19) VCF-style: chr7-2581073-T-C.
Other names: c.1180A>G, p.Thr394Ala (NM_001350626.2); c.655A>G, p.Thr219Ala (NM_001350627.2); short protein forms T219A, T394A.
Identifiers: ClinVar variation 3825242 (VCV003825242.2).

ClinVar aggregate classification (germline): Conflicting classifications of pathogenicity. Review status: criteria provided, conflicting classifications (1 of 4 stars). 2 submissions from 2 submitters: Uncertain significance (1); Likely benign (1). Last evaluated 2025-07-10.

Conditions:
Inborn genetic diseases. Identifiers: MedGen C0950123, MeSH D030342.

gnomAD v4.1: 9 of 1,573,392 alleles (0.00057%); highest among the groups gnomAD compares: Non-Finnish European, 0.00069%; no homozygotes.

Submissions (2):

GeneDx
Classification: Uncertain significance. Last evaluated: 2025-07-10. Review status: criteria provided, single submitter. Criteria: GeneDx Variant Classification Process June 2021. Collection method: clinical testing. Allele origin: germline. Affected: yes.
Comment: Not observed at significant frequency in large population cohorts (gnomAD); In silico analysis suggests that this missense variant does not alter protein structure/function; Has not been previously published as pathogenic or benign to our knowledge

Ambry Genetics
Classification: Likely benign for Inborn genetic diseases. Last evaluated: 2025-03-14. Review status: criteria provided, single submitter. Criteria: Ambry Variant Classification Scheme 2023. Collection method: clinical testing. Allele origin: germline.